The following is an entry in ClinVar:

ClinVar aggregate classification (germline): Pathogenic (1 of 4 stars; one submission).

Submission:

ISCA site 4
Classification: Pathogenic. Last evaluated: 2011-08-12. Review status: criteria provided, single submitter. Criteria: Kaminsky et al. (Genet Med. 2011). Collection method: clinical testing. Allele origin: de novo. Affected: yes. Observed: 1 variant allele.
Comment: Copy number variation identified through the course of routine clinical cytogenomic testing in postnatal populations. Clinical assertions have been curated as described in Kaminsky et al. 2011.

GRCh38/hg38 19p13.11-q13.11(chr19:17176767-34924150)x3

Genes: JUND (JunD proto-oncogene, AP-1 transcription factor subunit; minus strand), LINC00663 (long independently transcribed non-coding RNA 663; minus strand), LINC00664 (long independently transcribed non-coding RNA 664; plus strand), LINC01785 (long independently transcribed non-coding RNA 1785; minus strand), LINC01791 (long independently transcribed non-coding RNA 1791; plus strand) and 623 more. Cytogenetic location: 19p13.11-q13.11.
Variant type: copy number gain.
Change: copy number 3 (three copies instead of two) of chr19:17,176,767-34,924,150 (17.75 Mb, GRCh38 coordinates, 1-based), cytogenetic band 19p13.11-q13.11.
Identifiers: ClinVar variation 57042 (VCV000057042.1).